The following is an entry in ClinVar:

ClinVar aggregate classification (germline): Likely benign (1 of 4 stars; one submission).

Submission:

CeGaT Center for Human Genetics Tuebingen
Classification: Likely benign. Last evaluated: 2022-05-01. Review status: criteria provided, single submitter. Criteria: CeGaT Center For Human Genetics Tuebingen Variant Classification Criteria Version 2. Collection method: clinical testing. Allele origin: germline. Affected: yes. Observed: 1 variant allele.
Comment: ZNF768: PM2:Supporting, BP4, BP7

NM_024671.4(ZNF768):c.1494C>G (p.Ser498=)

Gene: ZNF768 (zinc finger protein 768; minus strand). Cytogenetic location: 16p11.2.
Variant type: single nucleotide variant.
Coding change: c.1494C>G on transcript NM_024671.4 (MANE Select); coding-DNA position 1494, C replaced by G.
Protein change: p.Ser498=; no amino-acid change (serine 498 retained).
Molecular consequence: synonymous variant.
Genome position (GRCh38, 1-based): chr16:30,524,646, G>C on the plus strand (C>G on the coding strand, the complement: ZNF768 is on the minus strand). VCF-style: chr16-30524646-G-C. GRCh37 (hg19) VCF-style: chr16-30535967-G-C.
Identifiers: ClinVar variation 2646383 (VCV002646383.24), dbSNP rs752559873, ClinGen allele CA494645931.